The following is an entry in ClinVar:

ClinVar aggregate classification (germline): Likely pathogenic (1 of 4 stars; one submission).

Allele frequency attached by ClinVar (database versions not stated): gnomAD exomes 0.00001; ExAC 0.00002.
gnomAD v4.1: 4 of 1,604,214 alleles (0.00025%); highest among the groups gnomAD compares: Admixed American, 0.0067%; no homozygotes.

Submission:

Labcorp Genetics (formerly Invitae), Labcorp
Classification: Likely pathogenic. Last evaluated: 2023-07-07. Review status: criteria provided, single submitter. Criteria: Invitae Variant Classification Sherloc (09022015). Collection method: clinical testing. Allele origin: germline.
Comment: In summary, the currently available evidence indicates that the variant is pathogenic, but additional data are needed to prove that conclusively. Therefore, this variant has been classified as Likely Pathogenic. Algorithms developed to predict the effect of sequence changes on RNA splicing suggest that this variant may disrupt the consensus splice site. This sequence change affects a donor splice site in intron 6 of the SLC24A5 gene. It is expected to disrupt RNA splicing. Variants that disrupt the donor or acceptor splice site typically lead to a loss of protein function (PMID: 16199547), and loss-of-function variants in SLC24A5 are known to be pathogenic (PMID: 23985994, 26686029). This variant is present in population databases (rs757960224, gnomAD 0.009%). This variant has not been reported in the literature in individuals affected with SLC24A5-related conditions. ClinVar contains an entry for this variant (Variation ID: 1951485).

Literature cited by the submitters: PubMed 16199547; PubMed 23985994; PubMed 26686029.

NM_205850.3(SLC24A5):c.871+2T>C

Genes: MYEF2 (myelin expression factor 2; minus strand), SLC24A5 (solute carrier family 24 member 5; plus strand). Cytogenetic location: 15q21.1.
Variant type: single nucleotide variant.
Coding change: c.871+2T>C on transcript NM_205850.3 (MANE Select); the canonical splice donor site of the intron after coding-DNA position 871, T replaced by C.
Molecular consequence: splice donor variant. On other transcripts: 3 prime UTR variant (2).
Genome position (GRCh38, 1-based): chr15:48,136,965, T>C. VCF-style: chr15-48136965-T-C. GRCh37 (hg19) VCF-style: chr15-48429162-T-C.
Other names: c.*5943A>G (NM_016132.5, NM_001301210.2).
Identifiers: ClinVar variation 1951485 (VCV001951485.5), dbSNP rs757960224, ClinGen allele CA7545975.